The following is an entry in ClinVar:

ClinVar aggregate classification (germline): Uncertain significance. Review status: criteria provided, multiple submitters, no conflicts (2 of 4 stars). 2 submissions from 2 submitters: Uncertain significance (2). Last evaluated 2026-01-10.

Allele frequency attached by ClinVar (database versions not stated): gnomAD exomes below 0.00001 and 0.00001; gnomAD 0.00001; TOPMed 0.00001.
gnomAD v4.1: 2 of 1,201,506 alleles (0.00017%); highest among the groups gnomAD compares: Non-Finnish European, 0.00023%; no homozygotes.

Submissions (2):

GeneDx
Classification: Uncertain significance. Last evaluated: 2026-01-10. Review status: criteria provided, single submitter. Criteria: GeneDx Variant Classification Process June 2021. Collection method: clinical testing. Allele origin: germline. Affected: yes.
Comment: Not observed at significant frequency in large population cohorts (gnomAD); In silico analysis supports that this missense variant has a deleterious effect on protein structure/function; Has not been previously published as pathogenic or benign to our knowledge

Labcorp Genetics (formerly Invitae), Labcorp
Classification: Uncertain significance. Last evaluated: 2024-05-23. Review status: criteria provided, single submitter. Criteria: Invitae Variant Classification Sherloc (09022015). Collection method: clinical testing. Allele origin: germline.
Comment: This sequence change replaces glycine, which is neutral and non-polar, with valine, which is neutral and non-polar, at codon 91 of the POLA1 protein (p.Gly91Val). This variant is present in population databases (no rsID available, gnomAD 0.001%). This variant has not been reported in the literature in individuals affected with POLA1-related conditions. ClinVar contains an entry for this variant (Variation ID: 1350240). Advanced modeling of protein sequence and biophysical properties (such as structural, functional, and spatial information, amino acid conservation, physicochemical variation, residue mobility, and thermodynamic stability) performed at Invitae indicates that this missense variant is expected to disrupt POLA1 protein function with a positive predictive value of 80%. In summary, the available evidence is currently insufficient to determine the role of this variant in disease. Therefore, it has been classified as a Variant of Uncertain Significance.

NM_001330360.2(POLA1):c.290G>T (p.Gly97Val)

Gene: POLA1 (DNA polymerase alpha 1, catalytic subunit; plus strand). Cytogenetic location: Xp22.11.
Variant type: single nucleotide variant.
Coding change: c.290G>T on transcript NM_001330360.2 (MANE Select); coding-DNA position 290, G replaced by T.
Protein change: p.Gly97Val; replaces glycine 97 with valine.
Molecular consequence: missense variant. On other transcripts: non-coding transcript variant (2).
Genome position (GRCh38, 1-based): chrX:24,704,413, G>T. VCF-style: chrX-24704413-G-T. GRCh37 (hg19) VCF-style: chrX-24722530-G-T.
Other names: c.290G>T, p.Gly97Val (NM_001378303.1); c.272G>T, p.Gly91Val (NM_016937.4); c.272G>T (NM_016937.3); short protein forms G91V, G97V.
Identifiers: ClinVar variation 1350240 (VCV001350240.10), dbSNP rs1020777451, ClinGen allele CA327719734.